The following is an entry in ClinVar:

NM_001267550.2(TTN):c.102682G>C (p.Gly34228Arg)

Genes: TTN-AS1 (TTN antisense RNA 1; plus strand), TTN (titin; minus strand). Cytogenetic location: 2q31.2.
Variant type: single nucleotide variant.
Coding change: c.102682G>C on transcript NM_001267550.2 (MANE Select); coding-DNA position 102682, G replaced by C.
Protein change: p.Gly34228Arg; replaces glycine 34228 with arginine.
Molecular consequence: missense variant.
Genome position (GRCh38, 1-based): chr2:178,533,933, C>G on the plus strand (G>C on the coding strand, the complement: TTN is on the minus strand). VCF-style: chr2-178533933-C-G. GRCh37 (hg19) VCF-style: chr2-179398660-C-G.
Other names: c.97759G>C, p.Gly32587Arg (NM_001256850.1); c.75487G>C, p.Gly25163Arg (NM_003319.4); c.94978G>C, p.Gly31660Arg (NM_133378.4); c.75862G>C, p.Gly25288Arg (NM_133432.3); c.76063G>C, p.Gly25355Arg (NM_133437.4); short protein forms G34228R, G25163R, G25288R, G25355R, G31660R, G32587R.
Identifiers: ClinVar variation 466705 (VCV000466705.5), dbSNP rs555664963, ClinGen allele CA1985719.

ClinVar aggregate classification (germline): Conflicting classifications of pathogenicity. Review status: criteria provided, conflicting classifications (1 of 4 stars). 3 submissions from 3 submitters: Uncertain significance (2); Likely benign (1). Last evaluated 2026-09-21.

Conditions:
Dilated cardiomyopathy 1G (CMD1G). Identifiers: Orphanet 154, MedGen C1858763, MONDO:0011400, OMIM 604145.
Autosomal recessive limb-girdle muscular dystrophy type 2J (LGMDR10). Also called: Limb-girdle muscular dystrophy, type 2J; MUSCULAR DYSTROPHY, LIMB-GIRDLE, AUTOSOMAL RECESSIVE 10. Identifiers: Orphanet 140922, MedGen C1837342, MONDO:0012127, OMIM 608807.
TTN-related disorder. Also called: TTN-related disorders; TTN-related condition; TTN-related disease.

Allele frequency attached by ClinVar (database versions not stated): ExAC 0.00002; gnomAD 0.00002 and 0.00003; 1000 Genomes Project 30x 0.00016; 1000 Genomes Project 0.00020; TOPMed 0.00001.
gnomAD v4.1: 9 of 1,613,858 alleles (0.00056%); highest among the groups gnomAD compares: Admixed American, 0.005%; no homozygotes.

Submissions (3):

Molecular Diagnostic Laboratory for Inherited Cardiovascular Disease, Montreal Heart Institute
Classification: Likely benign. Last evaluated: 2026-09-21. Review status: criteria provided, single submitter. Criteria: ACMG Guidelines, 2015. Collection method: clinical testing. Allele origin: germline. Affected: no.
Comment: BP1

PreventionGenetics, part of Exact Sciences
Classification: Uncertain significance for TTN-related condition. Last evaluated: 2026-03-30. Review status: criteria provided, single submitter. Criteria: ACMG Guidelines, 2015. Collection method: clinical testing. Allele origin: germline.
Comment: The TTN c.102682G>C variant is predicted to result in the amino acid substitution p.Gly34228Arg. To our knowledge, this variant has not been reported in the literature. This variant is reported in 0.0029% of alleles in individuals of Latino descent in gnomAD. At this time, the clinical significance of this variant is uncertain due to the absence of conclusive functional and genetic evidence.

Labcorp Genetics (formerly Invitae), Labcorp
Classification: Uncertain significance for Dilated cardiomyopathy 1G; Autosomal recessive limb-girdle muscular dystrophy type 2J. Last evaluated: 2017-06-05. Review status: criteria provided, single submitter. Criteria: Invitae Variant Classification Sherloc (09022015). Collection method: clinical testing. Allele origin: germline.